The following is an entry in ClinVar:

ClinVar aggregate classification (germline): Uncertain significance (1 of 4 stars; one submission).

Conditions:
Accelerated tumor formation, susceptibility to (ACTFS). Identifiers: MedGen C3280690, OMIM 614401, MONDO:0013733.

gnomAD v4.1: 9 of 1,613,872 alleles (0.00056%); highest among the groups gnomAD compares: East Asian, 0.0022%; no homozygotes.

Submission:

Labcorp Genetics (formerly Invitae), Labcorp
Classification: Uncertain significance for Accelerated tumor formation, susceptibility to. Last evaluated: 2025-12-16. Review status: criteria provided, single submitter. Criteria: Invitae Variant Classification Sherloc (09022015). Collection method: clinical testing. Allele origin: germline.
Comment: This sequence change replaces arginine, which is basic and polar, with histidine, which is basic and polar, at codon 189 of the MDM2 protein (p.Arg189His). This variant is not present in population databases (gnomAD no frequency). This variant has not been reported in the literature in individuals affected with MDM2-related conditions. An algorithm developed to predict the effect of missense changes on protein structure and function (PolyPhen-2) suggests that this variant is likely to be disruptive. In summary, the available evidence is currently insufficient to determine the role of this variant in disease. Therefore, it has been classified as a Variant of Uncertain Significance.

NM_002392.6(MDM2):c.566G>A (p.Arg189His)

Gene: MDM2 (MDM2 proto-oncogene; plus strand). Cytogenetic location: 12q15.
Variant type: single nucleotide variant.
Coding change: c.566G>A on transcript NM_002392.6 (MANE Select); coding-DNA position 566, G replaced by A.
Protein change: p.Arg189His; replaces arginine 189 with histidine.
Molecular consequence: missense variant. On other transcripts: intron variant (2).
Genome position (GRCh38, 1-based): chr12:68,828,813, G>A. VCF-style: chr12-68828813-G-A. GRCh37 (hg19) VCF-style: chr12-69222593-G-A.
Other names: c.548G>A, p.Arg183His (NM_001145337.3, NM_001367990.1); c.401G>A, p.Arg134His (NM_001145339.2); c.157-7016G>A (NM_001278462.2, NM_001145340.3); short protein forms R134H, R183H, R189H.
Identifiers: ClinVar variation 4753394 (VCV004753394.1).
Genomic context (GRCh38, chr12:68,828,813, plus strand): 5'-TTTTCCTTACATATCCAGAAGAAAATTCAGATGAATTATCTGGTGAACGACAAAGAAAAC[G>A]CCACAAATCTGATAGTATTTCCCTTTCCTTTGATGAAAGCCTGGCTCTGTGTGTAATAAG-3'
Protein context (NP_002383.2, residues 179-199): DELSGERQRK[Arg189His]HKSDSISLSF